The following is an entry in ClinVar:

NM_001035.3(RYR2):c.6163T>C (p.Ser2055Pro)

Gene: RYR2 (ryanodine receptor 2; plus strand). Cytogenetic location: 1q43.
Variant type: single nucleotide variant.
Coding change: c.6163T>C on transcript NM_001035.3 (MANE Select); coding-DNA position 6163, T replaced by C.
Protein change: p.Ser2055Pro; replaces serine 2055 with proline.
Molecular consequence: missense variant.
Genome position (GRCh38, 1-based): chr1:237,625,801, T>C. VCF-style: chr1-237625801-T-C. GRCh37 (hg19) VCF-style: chr1-237789101-T-C.
Other names: short protein forms S2055P.
Identifiers: ClinVar variation 1372866 (VCV001372866.10), dbSNP rs746490469, ClinGen allele CA087058.

ClinVar aggregate classification (germline): Uncertain significance. Review status: criteria provided, multiple submitters, no conflicts (2 of 4 stars). 2 submissions from 2 submitters: Uncertain significance (2). Last evaluated 2024-09-29.

Conditions:
Catecholaminergic polymorphic ventricular tachycardia 1. Also called: VENTRICULAR TACHYCARDIA, STRESS-INDUCED POLYMORPHIC 1; VENTRICULAR TACHYCARDIA, CATECHOLAMINERGIC POLYMORPHIC, 1, WITH OR WITHOUT ATRIAL DYSFUNCTION AND/OR DILATED CARDIOMYOPATHY; RYR2-Related Catecholaminergic Polymorphic Ventricular Tachycardia. Identifiers: Orphanet 3286, MedGen C1631597, MONDO:0011484, OMIM 604772.
Cardiomyopathy (CMYO). Also called: Cardiomyopathies. Identifiers: Orphanet 167848, MedGen C0878544, MONDO:0004994, HP:0001638. Inheritance: Various modes of inheritance.

Allele frequency attached by ClinVar (database versions not stated): gnomAD exomes below 0.00001 and 0.00001; ExAC 0.00001.
gnomAD v4.1: 3 of 1,613,384 alleles (0.00019%); highest among the groups gnomAD compares: South Asian, 0.0011%; no homozygotes.

Submissions (2):

Labcorp Genetics (formerly Invitae), Labcorp
Classification: Uncertain significance for Catecholaminergic polymorphic ventricular tachycardia 1. Last evaluated: 2024-09-29. Review status: criteria provided, single submitter. Criteria: Invitae Variant Classification Sherloc (09022015). Collection method: clinical testing. Allele origin: germline.
Comment: This sequence change replaces serine, which is neutral and polar, with proline, which is neutral and non-polar, at codon 2055 of the RYR2 protein (p.Ser2055Pro). This variant is present in population databases (rs746490469, gnomAD 0.003%). This variant has not been reported in the literature in individuals affected with RYR2-related conditions. ClinVar contains an entry for this variant (Variation ID: 1372866). Invitae Evidence Modeling of protein sequence and biophysical properties (such as structural, functional, and spatial information, amino acid conservation, physicochemical variation, residue mobility, and thermodynamic stability) indicates that this missense variant is not expected to disrupt RYR2 protein function with a negative predictive value of 95%. In summary, the available evidence is currently insufficient to determine the role of this variant in disease. Therefore, it has been classified as a Variant of Uncertain Significance.

Color Diagnostics, LLC DBA Color Health
Classification: Uncertain significance for Cardiomyopathy. Last evaluated: 2023-05-17. Review status: criteria provided, single submitter. Criteria: ACMG Guidelines, 2015. Collection method: clinical testing. Allele origin: germline.
Comment: This missense variant replaces serine with proline at codon 2055 of the RYR2 protein. Computational prediction suggests that this variant may not impact protein structure and function (internally defined REVEL score threshold <= 0.5, PMID: 27666373). To our knowledge, functional studies have not been reported for this variant. This variant has not been reported in individuals affected with RYR2-related disorders in the literature. This variant has been identified in 1/248188 chromosomes in the general population by the Genome Aggregation Database (gnomAD). The available evidence is insufficient to determine the role of this variant in disease conclusively. Therefore, this variant is classified as a Variant of Uncertain Significance.